The following is an entry in ClinVar:

ClinVar aggregate classification (germline): Conflicting classifications of pathogenicity. Review status: criteria provided, conflicting classifications (1 of 4 stars). 9 submissions from 9 submitters: Uncertain significance (7); Likely benign (2). Last evaluated 2026-01-05.

Conditions:
Hereditary cancer-predisposing syndrome. Also called: Neoplastic Syndromes, Hereditary; Tumor predisposition; Hereditary neoplastic syndrome; Hereditary Cancer Syndrome. Identifiers: Orphanet 140162, MedGen C0027672, MeSH D009386, MONDO:0015356.
BAP1-related tumor predisposition syndrome (TPDS1). Also called: Tumor susceptibility linked to germline BAP1 mutations; BAP1 tumor predisposition syndrome; TUMOR PREDISPOSITION SYNDROME 1; COMMON Syndrome. Identifiers: Orphanet 289539, MedGen C3280492, MONDO:0013692, OMIM 614327.

Allele frequency attached by ClinVar (database versions not stated): ExAC 0.00001; gnomAD 0.00001; gnomAD exomes 0.00001; TOPMed 0.00002.
gnomAD v4.1: 21 of 1,613,796 alleles (0.0013%); highest among the groups gnomAD compares: South Asian, 0.0011%; no homozygotes.

Submissions (9):

Labcorp Genetics (formerly Invitae), Labcorp
Classification: Uncertain significance for BAP1-related tumor predisposition syndrome. Last evaluated: 2026-01-05. Review status: criteria provided, single submitter. Criteria: Invitae Variant Classification Sherloc (09022015). Collection method: clinical testing. Allele origin: germline.
Comment: This sequence change replaces arginine, which is basic and polar, with histidine, which is basic and polar, at codon 114 of the BAP1 protein (p.Arg114His). The frequency data for this variant in the population databases is considered unreliable, as metrics indicate poor data quality at this position in the gnomAD database. This missense change has been observed in individual(s) with melanoma (PMID: 28062663). ClinVar contains an entry for this variant (Variation ID: 346125). Invitae Evidence Modeling of protein sequence and biophysical properties (such as structural, functional, and spatial information, amino acid conservation, physicochemical variation, residue mobility, and thermodynamic stability) indicates that this missense variant is not expected to disrupt BAP1 protein function with a negative predictive value of 80%. Experimental studies are conflicting or provide insufficient evidence to determine the effect of this variant on BAP1 function (PMID: 28062663, 33240524, 38969833). In summary, the available evidence is currently insufficient to determine the role of this variant in disease. Therefore, it has been classified as a Variant of Uncertain Significance.

Quest Diagnostics Nichols Institute San Juan Capistrano
Classification: Uncertain significance. Last evaluated: 2025-09-10. Review status: criteria provided, single submitter. Criteria: Quest Diagnostics criteria. Collection method: clinical testing. Allele origin: unknown.
Comment: The BAP1 c.341G>A (p.Arg114His) variant has been reported in the published literature in an individual with melanoma (PMID: 28062663 (2017)). Functional studies have reported conflicting results regarding the effect of this variant on BAP1 protein function (PMIDs: 38969833 (2024), 33240524 (2020), 28062663 (2017)). The frequency of this variant in the general population (Genome Aggregation Database) is uninformative in the assessment of its pathogenicity. Analysis of this variant using bioinformatics tools for the prediction of the effect of amino acid changes on protein structure and function yielded predictions that this variant is damaging. Based on the available information, we are unable to determine the clinical significance of this variant.

Department of Clinical Genetics, Copenhagen University Hospital, Rigshospitalet
Classification: Uncertain significance for BAP1-related tumor predisposition syndrome. Last evaluated: 2025-04-09. Review status: criteria provided, single submitter. Criteria: ACMG Guidelines, 2015. Collection method: clinical testing. Allele origin: germline.
Comment: The following ACMG criteria has been used: BS3_SUP

Center for Genomic Medicine, Rigshospitalet, Copenhagen University Hospital
Classification: Uncertain significance. Last evaluated: 2025-03-04. Review status: criteria provided, single submitter. Criteria: ACMG Guidelines, 2015. Collection method: clinical testing. Allele origin: germline.

Color Diagnostics, LLC DBA Color Health
Classification: Uncertain significance for Hereditary cancer-predisposing syndrome. Last evaluated: 2024-09-23. Review status: criteria provided, single submitter. Criteria: ACMG Guidelines, 2015. Collection method: clinical testing. Allele origin: germline.
Comment: This missense variant replaces arginine with histidine at codon 114 of the BAP1 protein. Computational prediction suggests that this variant may not impact protein structure and function. Functional studies have reported conflicting results regarding the impact of this variant on deubiquitinase activity (PMID: 28062663, 35849291). This variant has been reported in an individual affected with melanoma (PMID: 28062663). This variant has been identified in 2/251072 chromosomes in the general population by the Genome Aggregation Database (gnomAD). The available evidence is insufficient to determine the role of this variant in disease conclusively. Therefore, this variant is classified as a Variant of Uncertain Significance.

Baylor Genetics
Classification: Uncertain significance for BAP1-related tumor predisposition syndrome. Last evaluated: 2024-03-28. Review status: criteria provided, single submitter. Criteria: ACMG Guidelines, 2015. Collection method: clinical testing. Allele origin: unknown.

GeneDx
Classification: Uncertain significance. Last evaluated: 2024-03-14. Review status: criteria provided, single submitter. Criteria: GeneDx Variant Classification Process June 2021. Collection method: clinical testing. Allele origin: germline. Affected: yes.
Comment: Not observed at significant frequency in large population cohorts (gnomAD); In silico analysis supports that this missense variant has a deleterious effect on protein structure/function; Observed in an individual with a personal or family history of melanoma (PMID: 28062663); Published functional studies are conflicting with respect to deubiquitinase activity level (PMID: 33240524, 28062663); This variant is associated with the following publications: (PMID: 33240524, 28062663, 35849291, 28767674)

Ambry Genetics
Classification: Likely benign for Hereditary cancer-predisposing syndrome. Last evaluated: 2019-11-18. Review status: criteria provided, single submitter. Criteria: Ambry Variant Classification Scheme 2023. Collection method: clinical testing. Allele origin: germline.

Illumina Laboratory Services, Illumina
Classification: Likely benign for BAP1-related tumor predisposition syndrome. Last evaluated: 2017-04-28. Review status: criteria provided, single submitter. Criteria: ICSL Variant Classification Criteria 13 December 2019. Collection method: clinical testing. Allele origin: germline.
Comment: This variant was observed as part of a predisposition screen in an ostensibly healthy population. A literature search was performed for the gene, cDNA change, and amino acid change (where applicable). No publications were found based on this search. Allele frequency data from public databases allowed determination this variant is unlikely to cause disease. Therefore, this variant is classified as likely benign.

Literature cited by the submitters: PubMed 28062663 (cited by 5 submitters); PubMed 33240524 (cited by 3 submitters); PubMed 38969833 (cited by 3 submitters); PubMed 28767674 (cited by Quest Diagnostics Nichols Institute San Juan Capistrano); PubMed 35849291 (cited by Color Diagnostics, LLC DBA Color Health).

NM_004656.4(BAP1):c.341G>A (p.Arg114His)

Gene: BAP1 (BRCA1 associated deubiquitinase 1; minus strand). Cytogenetic location: 3p21.1.
Variant type: single nucleotide variant.
Coding change: c.341G>A on transcript NM_004656.4 (MANE Select); coding-DNA position 341, G replaced by A.
Protein change: p.Arg114His; replaces arginine 114 with histidine.
Molecular consequence: missense variant.
Genome position (GRCh38, 1-based): chr3:52,407,992, C>T on the plus strand (G>A on the coding strand, the complement: BAP1 is on the minus strand). VCF-style: chr3-52407992-C-T. GRCh37 (hg19) VCF-style: chr3-52442008-C-T.
Other names: c.341G>A (LRG_529t1); short protein forms R114H.
Identifiers: ClinVar variation 346125 (VCV000346125.39), dbSNP rs773494626, ClinGen allele CA2437122.
Genomic context (GRCh38, chr3:52,407,992, plus strand): 5'-GCCAGGATGAAGGCACTGCAGCCTACCTCAGGGCTGAAACCCTTGGTGAAGTCCTTCATG[C>T]GACTCAGGGTGGGTCCCAGGTCCACGCTGCTGCAGTTCAGGAGCACGCTCAGCAAGGCAT-3'
Protein context (NP_004647.1, residues 104-124): SSVDLGPTLS[Arg114His]MKDFTKGFSP